The following is an entry in ClinVar:

ClinVar aggregate classification (germline): Uncertain significance (1 of 4 stars; one submission).

Submission:

Labcorp Genetics (formerly Invitae), Labcorp
Classification: Uncertain significance. Last evaluated: 2022-09-14. Review status: criteria provided, single submitter. Criteria: Invitae Variant Classification Sherloc (09022015). Collection method: clinical testing. Allele origin: germline.
Comment: In summary, the available evidence is currently insufficient to determine the role of this variant in disease. Therefore, it has been classified as a Variant of Uncertain Significance. Advanced modeling of protein sequence and biophysical properties (such as structural, functional, and spatial information, amino acid conservation, physicochemical variation, residue mobility, and thermodynamic stability) has been performed at Invitae for this missense variant, however the output from this modeling did not meet the statistical confidence thresholds required to predict the impact of this variant on SCNN1G protein function. This variant has not been reported in the literature in individuals affected with SCNN1G-related conditions. This variant is not present in population databases (gnomAD no frequency). This sequence change replaces serine, which is neutral and polar, with tryptophan, which is neutral and slightly polar, at codon 476 of the SCNN1G protein (p.Ser476Trp).

NM_001039.4(SCNN1G):c.1427C>G (p.Ser476Trp)

Gene: SCNN1G (sodium channel epithelial 1 subunit gamma; plus strand). Cytogenetic location: 16p12.2.
Variant type: single nucleotide variant.
Coding change: c.1427C>G on transcript NM_001039.4 (MANE Select); coding-DNA position 1427, C replaced by G.
Protein change: p.Ser476Trp; replaces serine 476 with tryptophan.
Molecular consequence: missense variant.
Genome position (GRCh38, 1-based): chr16:23,212,890, C>G. VCF-style: chr16-23212890-C-G. GRCh37 (hg19) VCF-style: chr16-23224211-C-G.
Other names: short protein forms S476W.
Identifiers: ClinVar variation 2028209 (VCV002028209.4), dbSNP rs1277905719, ClinGen allele CA395102601.